The following is an entry in ClinVar:

ClinVar aggregate classification (germline): Uncertain significance. Review status: criteria provided, multiple submitters, no conflicts (2 of 4 stars). 2 submissions from 2 submitters: Uncertain significance (2). Last evaluated 2025-12-15.

Allele frequency attached by ClinVar (database versions not stated): gnomAD exomes 0.00003 and 0.00006; ExAC 0.00007; gnomAD 0.00019 and 0.00020; TOPMed 0.00022; 1000 Genomes Project 30x 0.00031; ESP Exome Variant Server 0.00031; 1000 Genomes Project 0.00040.
gnomAD v4.1: 70 of 1,614,162 alleles (0.0043%); highest among the groups gnomAD compares: African/African-American, 0.072%; no homozygotes.

Submissions (2):

Labcorp Genetics (formerly Invitae), Labcorp
Classification: Uncertain significance. Last evaluated: 2025-12-15. Review status: criteria provided, single submitter. Criteria: Invitae Variant Classification Sherloc (09022015). Collection method: clinical testing. Allele origin: germline.
Comment: This sequence change replaces valine, which is neutral and non-polar, with isoleucine, which is neutral and non-polar, at codon 531 of the RNF31 protein (p.Val531Ile). This variant is present in population databases (rs199806928, gnomAD 0.09%), and has an allele count higher than expected for a pathogenic variant. This variant has not been reported in the literature in individuals affected with RNF31-related conditions. ClinVar contains an entry for this variant (Variation ID: 1383515). An algorithm developed to predict the effect of missense changes on protein structure and function (PolyPhen-2) suggests that this variant is likely to be disruptive. In summary, the available evidence is currently insufficient to determine the role of this variant in disease. Therefore, it has been classified as a Variant of Uncertain Significance.

Ambry Genetics
Classification: Uncertain significance. Last evaluated: 2024-09-04. Review status: criteria provided, single submitter. Criteria: Ambry Variant Classification Scheme 2023. Collection method: clinical testing. Allele origin: germline.

NM_017999.5(RNF31):c.1591G>A (p.Val531Ile)

Gene: RNF31 (ring finger protein 31; plus strand). Cytogenetic location: 14q12.
Variant type: single nucleotide variant.
Coding change: c.1591G>A on transcript NM_017999.5 (MANE Select); coding-DNA position 1591, G replaced by A.
Protein change: p.Val531Ile; replaces valine 531 with isoleucine.
Molecular consequence: missense variant.
Genome position (GRCh38, 1-based): chr14:24,151,233, G>A. VCF-style: chr14-24151233-G-A. GRCh37 (hg19) VCF-style: chr14-24620442-G-A.
Other names: c.1138G>A, p.Val380Ile (NM_001310332.2); c.1591G>A (NM_017999.4); short protein forms V531I, V380I.
Identifiers: ClinVar variation 1383515 (VCV001383515.8), dbSNP rs199806928, ClinGen allele CA7125831.